The following is an entry in ClinVar:

NM_001351132.2(PEX5):c.551+71C>T

Gene: PEX5 (peroxisomal biogenesis factor 5; plus strand). Cytogenetic location: 12p13.31.
Variant type: single nucleotide variant.
Coding change: c.551+71C>T on transcript NM_001351132.2 (MANE Select); 71 bases into the intron after coding-DNA position 551, C replaced by T.
Molecular consequence: intron variant.
Genome position (GRCh38, 1-based): chr12:7,199,184, C>T. VCF-style: chr12-7199184-C-T. GRCh37 (hg19) VCF-style: chr12-7351780-C-T.
Other names: c.596+71C>T (NM_001351135.3, NM_001131023.2, NM_001351138.2); c.551+71C>T (NM_001300789.3, NM_001351137.3, NM_001351133.2 and 19 more transcripts).
Identifiers: ClinVar variation 1098757 (VCV001098757.5), dbSNP rs73050080, ClinGen allele CA13744054.
Genomic context (GRCh38, chr12:7,199,184, plus strand): 5'-ATACCTCTTTCCGAATCCCGTGAAAGGAGTATGGACAGTTTTCCCAGCCTCCTCCATCCA[C>T]GTTCTCGAACCAACTTACTTTATTCTTTTTTTTTTTTTTTTTTATCATTCTTGGGTGTTT-3'

ClinVar aggregate classification (germline): Benign. Review status: criteria provided, multiple submitters, no conflicts (2 of 4 stars). 3 submissions from 3 submitters: Benign (3). Last evaluated 2021-04-30.

Allele frequency attached by ClinVar (database versions not stated): 1000 Genomes Project 30x 0.03435; 1000 Genomes Project 0.03474; TOPMed 0.06856; gnomAD 0.07353 and 0.07647.
gnomAD v4.1: 63,011 of 751,410 alleles (8.4%); highest among the groups gnomAD compares: Non-Finnish European, 11%; 3,568 homozygotes.

Submissions (3):

Women's Health and Genetics/Laboratory Corporation of America, LabCorp
Classification: Benign. Last evaluated: 2021-04-30. Review status: criteria provided, single submitter. Criteria: LabCorp Variant Classification Summary - May 2015. Collection method: clinical testing. Allele origin: germline.
Comment: Variant summary: PEX5 c.551+71C>T is located at a position not widely known to affect splicing. The variant allele was found at a frequency of 0.079 in 30562 control chromosomes in the gnomAD database, including 139 homozygotes. The observed variant frequency is approximately 140 fold of the estimated maximal expected allele frequency for a pathogenic variant in PEX5 causing Peroxisome Biogenesis Disorders, Zellweger Syndrome Spectrum phenotype (0.00057), strongly suggesting that the variant is benign. No clinical diagnostic laboratories have submitted clinical-significance assessments for this variant to ClinVar after 2014. Based on the evidence outlined above, the variant was classified as benign.

GeneDx
Classification: Benign. Last evaluated: 2019-01-29. Review status: criteria provided, single submitter. Criteria: GeneDx Variant Classification Process June 2021. Collection method: clinical testing. Allele origin: germline. Affected: yes.

Breakthrough Genomics
Classification: Benign. Review status: criteria provided, single submitter. Criteria: ACMG Guidelines, 2015. Collection method: not provided. Allele origin: germline. Inheritance: Autosomal recessive inheritance. Affected: yes.